The following is an entry in ClinVar:

NM_001035.3(RYR2):c.3503T>C (p.Met1168Thr)

Gene: RYR2 (ryanodine receptor 2; plus strand). Cytogenetic location: 1q43.
Variant type: single nucleotide variant.
Coding change: c.3503T>C on transcript NM_001035.3 (MANE Select); coding-DNA position 3503, T replaced by C.
Protein change: p.Met1168Thr; replaces methionine 1168 with threonine.
Molecular consequence: missense variant.
Genome position (GRCh38, 1-based): chr1:237,569,224, T>C. VCF-style: chr1-237569224-T-C. GRCh37 (hg19) VCF-style: chr1-237732524-T-C.
Other names: short protein forms M1168T.
Identifiers: ClinVar variation 928854 (VCV000928854.1), dbSNP rs778702831, ClinGen allele CA086399.

ClinVar aggregate classification (germline): Uncertain significance (1 of 4 stars; one submission).

Allele frequency attached by ClinVar (database versions not stated): ExAC 0.00001; gnomAD exomes below 0.00001.

Submission:

Women's Health and Genetics/Laboratory Corporation of America, LabCorp
Classification: Uncertain significance. Last evaluated: 2019-04-16. Review status: criteria provided, single submitter. Criteria: LabCorp Variant Classification Summary - May 2015. Collection method: clinical testing. Allele origin: germline.
Comment: Variant summary: RYR2 c.3503T>C (p.Met1168Thr) results in a non-conservative amino acid change located in the SPRY domain 2 of the encoded protein sequence. Three of five in-silico tools predict a damaging effect of the variant on protein function. The variant allele was found at a frequency of 4e-06 in 249164 control chromosomes (gnomAD). The available data on variant occurrences in the general population are insufficient to allow any conclusion about variant significance. To our knowledge, no occurrence of c.3503T>C in individuals affected with Cardiomyopathy and no experimental evidence demonstrating its impact on protein function have been reported. No clinical diagnostic laboratories have submitted clinical-significance assessments for this variant to ClinVar after 2014. Based on the evidence outlined above, the variant was classified as uncertain significance.